The following is an entry in ClinVar:

ClinVar aggregate classification (germline): Uncertain significance (1 of 4 stars; one submission).

Conditions:
Autosomal recessive limb-girdle muscular dystrophy type R18 (LGMDR18). Also called: MUSCULAR DYSTROPHY, LIMB-GIRDLE, AUTOSOMAL RECESSIVE 18; Autosomal recessive limb-girdle muscular dystrophy type 2S; Limb-girdle muscular dystrophy, type 2S. Identifiers: Orphanet 369840, MedGen C4517996, MONDO:0014144, OMIM 615356.

Submission:

Labcorp Genetics (formerly Invitae), Labcorp
Classification: Uncertain significance for Autosomal recessive limb-girdle muscular dystrophy type R18. Last evaluated: 2021-10-24. Review status: criteria provided, single submitter. Criteria: Invitae Variant Classification Sherloc (09022015). Collection method: clinical testing. Allele origin: germline.
Comment: In summary, the available evidence is currently insufficient to determine the role of this variant in disease. Therefore, it has been classified as a Variant of Uncertain Significance. This sequence change replaces threonine with alanine at codon 262 of the TRAPPC11 protein (p.Thr262Ala). The threonine residue is highly conserved and there is a small physicochemical difference between threonine and alanine. This variant is not present in population databases (ExAC no frequency). This variant has not been reported in the literature in individuals affected with TRAPPC11-related conditions. Algorithms developed to predict the effect of missense changes on protein structure and function (SIFT, PolyPhen-2, Align-GVGD) all suggest that this variant is likely to be tolerated.

NM_021942.6(TRAPPC11):c.784A>G (p.Thr262Ala)

Gene: TRAPPC11 (trafficking protein particle complex subunit 11; plus strand). Cytogenetic location: 4q35.1.
Variant type: single nucleotide variant.
Coding change: c.784A>G on transcript NM_021942.6 (MANE Select); coding-DNA position 784, A replaced by G.
Protein change: p.Thr262Ala; replaces threonine 262 with alanine.
Molecular consequence: missense variant.
Genome position (GRCh38, 1-based): chr4:183,677,507, A>G. VCF-style: chr4-183677507-A-G. GRCh37 (hg19) VCF-style: chr4-184598660-A-G.
Other names: c.784A>G, p.Thr262Ala (NM_199053.3); short protein forms T262A.
Identifiers: ClinVar variation 1382788 (VCV001382788.6), dbSNP rs1050965809, ClinGen allele CA358861890.